The following is an entry in ClinVar:

ClinVar aggregate classification (germline): Uncertain significance. Review status: criteria provided, multiple submitters, no conflicts (2 of 4 stars). 4 submissions from 4 submitters: Uncertain significance (4). Last evaluated 2024-10-21.

Conditions:
Hereditary cancer-predisposing syndrome. Also called: Hereditary neoplastic syndrome; Tumor predisposition; Neoplastic Syndromes, Hereditary; Hereditary Cancer Syndrome. Identifiers: Orphanet 140162, MedGen C0027672, MeSH D009386, MONDO:0015356.
Fanconi anemia complementation group C (FANCC). Also called: FANCONI PANCYTOPENIA, TYPE 3; FACC; Fanconi anemia, group C; FANCC-Related Fanconi Anemia. Identifiers: Orphanet 84, MedGen C3468041, MONDO:0009213, OMIM 227645.
Fanconi anemia (FA). Also called: Fanconi's anemia. Identifiers: Orphanet 84, MedGen C0015625, MeSH D005199, MONDO:0019391.

Allele frequency attached by ClinVar (database versions not stated): gnomAD 0.00001; TOPMed 0.00003.
gnomAD v4.1: 1 of 1,614,020 alleles (0.000062%); highest among the groups gnomAD compares: African/African-American, 0.0013%; no homozygotes.

Submissions (4):

GeneDx
Classification: Uncertain significance. Last evaluated: 2024-10-21. Review status: criteria provided, single submitter. Criteria: GeneDx Variant Classification Process June 2021. Collection method: clinical testing. Allele origin: germline. Affected: yes.
Comment: Not observed at significant frequency in large population cohorts (gnomAD); In silico analysis indicates that this missense variant does not alter protein structure/function; Has not been previously published as pathogenic or benign to our knowledge; This variant is associated with the following publications: (PMID: Gordon2000[Book])

Fulgent Genetics
Classification: Uncertain significance for Fanconi anemia complementation group C. Last evaluated: 2024-04-01. Review status: criteria provided, single submitter. Criteria: ACMG Guidelines, 2015. Collection method: clinical testing. Allele origin: germline.

Ambry Genetics
Classification: Uncertain significance for Hereditary cancer-predisposing syndrome. Last evaluated: 2023-02-23. Review status: criteria provided, single submitter. Criteria: Ambry Variant Classification Scheme 2023. Collection method: clinical testing. Allele origin: germline.
Comment: The p.K545E variant (also known as c.1633A>G), located in coding exon 14 of the FANCC gene, results from an A to G substitution at nucleotide position 1633. The lysine at codon 545 is replaced by glutamic acid, an amino acid with similar properties. This amino acid position is not well conserved in available vertebrate species, and glutamic acid is the reference amino acid in other vertebrate species. In addition, this alteration is predicted to be tolerated by in silico analysis. Since supporting evidence is limited at this time, the clinical significance of this alteration remains unclear.

Labcorp Genetics (formerly Invitae), Labcorp
Classification: Uncertain significance for Fanconi anemia. Last evaluated: 2022-10-23. Review status: criteria provided, single submitter. Criteria: Invitae Variant Classification Sherloc (09022015). Collection method: clinical testing. Allele origin: germline.
Comment: This sequence change replaces lysine, which is basic and polar, with glutamic acid, which is acidic and polar, at codon 545 of the FANCC protein (p.Lys545Glu). This variant is present in population databases (no rsID available, gnomAD 0.01%). This variant has not been reported in the literature in individuals affected with FANCC-related conditions. ClinVar contains an entry for this variant (Variation ID: 418879). Advanced modeling of protein sequence and biophysical properties (such as structural, functional, and spatial information, amino acid conservation, physicochemical variation, residue mobility, and thermodynamic stability) performed at Invitae indicates that this missense variant is not expected to disrupt FANCC protein function. In summary, the available evidence is currently insufficient to determine the role of this variant in disease. Therefore, it has been classified as a Variant of Uncertain Significance.

NM_000136.3(FANCC):c.1633A>G (p.Lys545Glu)

Genes: FANCC (FA complementation group C; minus strand), AOPEP (aminopeptidase O (putative); plus strand). Cytogenetic location: 9q22.32.
Variant type: single nucleotide variant.
Coding change: c.1633A>G on transcript NM_000136.3 (MANE Select); coding-DNA position 1633, A replaced by G.
Protein change: p.Lys545Glu; replaces lysine 545 with glutamic acid.
Molecular consequence: missense variant.
Genome position (GRCh38, 1-based): chr9:95,101,751, T>C on the plus strand (A>G on the coding strand, the complement: FANCC is on the minus strand). VCF-style: chr9-95101751-T-C. GRCh37 (hg19) VCF-style: chr9-97864033-T-C.
Other names: c.1633A>G, p.Lys545Glu (NM_001243743.2); short protein forms K545E.
Identifiers: ClinVar variation 418879 (VCV000418879.14), dbSNP rs1064793496, ClinGen allele CA16618872.
Genomic context (GRCh38, chr9:95,101,751, plus strand): 5'-ACGGCCTGCGTGCCTTCTAGACTTGAGTTCGCAGCTCTTTAAGGAGCTCTCGGGCCAGTT[T>C]TTCTGATCTAGGGCTTTCAATGCCAAGACGATTCCATCTGTACAAGGTCTGGTCAAGAAA-3'
Protein context (NP_000127.2, residues 535-555): RLGIESPRSE[Lys545Glu]LARELLKELR